The following is an entry in ClinVar:

NM_001375808.2(LPIN2):c.1390A>G (p.Met464Val)

Gene: LPIN2 (lipin 2; minus strand). Cytogenetic location: 18p11.31.
Variant type: single nucleotide variant.
Coding change: c.1390A>G on transcript NM_001375808.2 (MANE Select); coding-DNA position 1390, A replaced by G.
Protein change: p.Met464Val; replaces methionine 464 with valine.
Molecular consequence: missense variant.
Genome position (GRCh38, 1-based): chr18:2,931,322, T>C on the plus strand (A>G on the coding strand, the complement: LPIN2 is on the minus strand). VCF-style: chr18-2931322-T-C. GRCh37 (hg19) VCF-style: chr18-2931320-T-C.
Other names: c.1390A>G, p.Met464Val (NM_001375809.1, NM_014646.2); short protein forms M464V.
Identifiers: ClinVar variation 1002274 (VCV001002274.9), dbSNP rs2077210318, ClinGen allele CA401704286.
Genomic context (GRCh38, chr18:2,931,322, plus strand): 5'-AAATTTCTCCATTTTCACTGAGGCCCCCGCAAAGGGAGAGGGTAACGTCAGGCAAGTCCA[T>C]GGCAGAATCTGAGAGGCACTCGGTGCCGCTATCTGCAGCTGCGCTTCCCACGGACTGTGG-3'
Protein context (NP_001362737.1, residues 454-474): SGTECLSDSA[Met464Val]DLPDVTLSLC

ClinVar aggregate classification (germline): Uncertain significance (1 of 4 stars; one submission).

Conditions:
Majeed syndrome (MJDS). Also called: CHRONIC RECURRENT MULTIFOCAL OSTEOMYELITIS 1, WITH CONGENITAL DYSERYTHROPOIETIC ANEMIA, WITH OR WITHOUT NEUTROPHILIC DERMATOSIS; LPIN2-Related Majeed Syndrome. Identifiers: Orphanet 77297, MedGen C1864997, MONDO:0012316, OMIM 609628.

Allele frequency attached by ClinVar (database versions not stated): gnomAD exomes below 0.00001.
gnomAD v4.1: 1 of 1,614,226 alleles (0.000062%); highest among the groups gnomAD compares: East Asian, 0.0022%; no homozygotes.

Submission:

Labcorp Genetics (formerly Invitae), Labcorp
Classification: Uncertain significance for Majeed syndrome. Last evaluated: 2020-08-06. Review status: criteria provided, single submitter. Criteria: Invitae Variant Classification Sherloc (09022015). Collection method: clinical testing. Allele origin: germline.
Comment: This variant is not present in population databases (ExAC no frequency). This sequence change replaces methionine with valine at codon 464 of the LPIN2 protein (p.Met464Val). The methionine residue is moderately conserved and there is a small physicochemical difference between methionine and valine. This variant has not been reported in the literature in individuals with LPIN2-related conditions. In summary, the available evidence is currently insufficient to determine the role of this variant in disease. Therefore, it has been classified as a Variant of Uncertain Significance. Algorithms developed to predict the effect of missense changes on protein structure and function (SIFT, PolyPhen-2, Align-GVGD) all suggest that this variant is likely to be tolerated, but these predictions have not been confirmed by published functional studies and their clinical significance is uncertain.